The following is an entry in ClinVar:

ClinVar aggregate classification (germline): Uncertain significance (1 of 4 stars; one submission).

Conditions:
Hypertrophic cardiomyopathy. Also called: HYPERTROPHIC MYOCARDIOPATHY. Identifiers: Orphanet 217569, MedGen C0007194, MeSH D002312, MONDO:0005045, HP:0001639.

Submission:

Labcorp Genetics (formerly Invitae), Labcorp
Classification: Uncertain significance for Hypertrophic cardiomyopathy. Last evaluated: 2023-08-04. Review status: criteria provided, single submitter. Criteria: Invitae Variant Classification Sherloc (09022015). Collection method: clinical testing. Allele origin: germline.
Comment: ClinVar contains an entry for this variant (Variation ID: 1427069). Experimental studies and prediction algorithms are not available or were not evaluated, and the functional significance of this variant is currently unknown. In summary, the available evidence is currently insufficient to determine the role of this variant in disease. Therefore, it has been classified as a Variant of Uncertain Significance. This variant has not been reported in the literature in individuals affected with MYH7-related conditions. This sequence change replaces glutamine, which is neutral and polar, with lysine, which is basic and polar, at codon 1346 of the MYH7 protein (p.Gln1346Lys). Information on the frequency of this variant in the gnomAD database is not available, as this variant may be reported differently in the database.

NM_000257.4(MYH7):c.4035_4036delinsAA (p.Gln1346Lys)

Gene: MYH7 (myosin heavy chain 7; minus strand). Cytogenetic location: 14q11.2.
Variant type: Indel.
Coding change: c.4035_4036delinsAA on transcript NM_000257.4 (MANE Select); coding-DNA positions 4035 to 4036, GC replaced by AA.
Protein change: p.Gln1346Lys; replaces glutamine 1346 with lysine.
Molecular consequence: missense variant.
Genome position (GRCh38, 1-based): chr14:23,418,343-23,418,344, GC replaced by TT on the plus strand (GC replaced by AA on the coding strand, the reverse complement: MYH7 is on the minus strand). VCF-style: chr14-23418343-GC-TT. GRCh37 (hg19) VCF-style: chr14-23887552-GC-TT.
Other names: short protein forms Q1346K.
Identifiers: ClinVar variation 1427069 (VCV001427069.8), dbSNP rs2138648969, ClinGen allele CA2573149779.